The following is an entry in ClinVar:

NM_001256789.3(CACNA1F):c.1420G>A (p.Glu474Lys)

Gene: CACNA1F (calcium voltage-gated channel subunit alpha1 F; minus strand). Cytogenetic location: Xp11.23.
Variant type: single nucleotide variant.
Coding change: c.1420G>A on transcript NM_001256789.3 (MANE Select); coding-DNA position 1420, G replaced by A.
Protein change: p.Glu474Lys; replaces glutamic acid 474 with lysine.
Molecular consequence: missense variant.
Genome position (GRCh38, 1-based): chrX:49,226,452, C>T on the plus strand (G>A on the coding strand, the complement: CACNA1F is on the minus strand). VCF-style: chrX-49226452-C-T. GRCh37 (hg19) VCF-style: chrX-49082914-C-T.
Other names: c.1258G>A, p.Glu420Lys (NM_001256790.3); c.1453G>A, p.Glu485Lys (NM_005183.4); short protein forms E420K, E474K, E485K.
Identifiers: ClinVar variation 1000315 (VCV001000315.8), dbSNP rs2065825237, ClinGen allele CA412917339.

ClinVar aggregate classification (germline): Uncertain significance (1 of 4 stars; one submission).

Allele frequency attached by ClinVar (database versions not stated): gnomAD exomes below 0.00001.
gnomAD v4.1: 1 of 1,191,424 alleles (0.000084%); highest among the groups gnomAD compares: African/African-American, 0.0017%; no homozygotes.

Submission:

Labcorp Genetics (formerly Invitae), Labcorp
Classification: Uncertain significance. Last evaluated: 2023-10-13. Review status: criteria provided, single submitter. Criteria: Invitae Variant Classification Sherloc (09022015). Collection method: clinical testing. Allele origin: germline.
Comment: This sequence change replaces glutamic acid, which is acidic and polar, with lysine, which is basic and polar, at codon 485 of the CACNA1F protein (p.Glu485Lys). This variant is not present in population databases (gnomAD no frequency). This variant has not been reported in the literature in individuals affected with CACNA1F-related conditions. ClinVar contains an entry for this variant (Variation ID: 1000315). An algorithm developed to predict the effect of missense changes on protein structure and function (PolyPhen-2) suggests that this variant is likely to be tolerated. Algorithms developed to predict the effect of sequence changes on RNA splicing suggest that this variant may disrupt the consensus splice site. In summary, the available evidence is currently insufficient to determine the role of this variant in disease. Therefore, it has been classified as a Variant of Uncertain Significance.